The following is an entry in ClinVar:

ClinVar aggregate classification (germline): Uncertain significance (1 of 4 stars; one submission).

Conditions:
Early-onset Parkinson disease 20. Also called: PARKINSON DISEASE 20, AUTOSOMAL RECESSIVE EARLY-ONSET. Identifiers: Orphanet 391411, MedGen C3809824, MONDO:0014233, OMIM 615530.
Developmental and epileptic encephalopathy, 53. Also called: Epileptic encephalopathy, early infantile, 53. Identifiers: MedGen C4479313, MONDO:0033362, OMIM 617389.

Allele frequency attached by ClinVar (database versions not stated): gnomAD 0.00001.
gnomAD v4.1: 1 of 1,612,742 alleles (0.000062%); highest among the groups gnomAD compares: African/African-American, 0.0013%; no homozygotes.

Submission:

Labcorp Genetics (formerly Invitae), Labcorp
Classification: Uncertain significance for Developmental and epileptic encephalopathy, 53; Early-onset Parkinson disease 20. Last evaluated: 2022-08-09. Review status: criteria provided, single submitter. Criteria: Invitae Variant Classification Sherloc (09022015). Collection method: clinical testing. Allele origin: germline.
Comment: This sequence change replaces leucine, which is neutral and non-polar, with valine, which is neutral and non-polar, at codon 1007 of the SYNJ1 protein (p.Leu1007Val). This variant is present in population databases (no rsID available, gnomAD 0.01%). This variant has not been reported in the literature in individuals affected with SYNJ1-related conditions. ClinVar contains an entry for this variant (Variation ID: 959786). Algorithms developed to predict the effect of missense changes on protein structure and function are either unavailable or do not agree on the potential impact of this missense change (SIFT: "Deleterious"; PolyPhen-2: "Possibly Damaging"; Align-GVGD: "Class C0"). In summary, the available evidence is currently insufficient to determine the role of this variant in disease. Therefore, it has been classified as a Variant of Uncertain Significance.

NM_203446.3(SYNJ1):c.2902T>G (p.Leu968Val)

Gene: SYNJ1 (synaptojanin 1; minus strand). Cytogenetic location: 21q22.11.
Variant type: single nucleotide variant.
Coding change: c.2902T>G on transcript NM_203446.3 (MANE Select); coding-DNA position 2902, T replaced by G.
Protein change: p.Leu968Val; replaces leucine 968 with valine.
Molecular consequence: missense variant.
Genome position (GRCh38, 1-based): chr21:32,650,319, A>C on the plus strand (T>G on the coding strand, the complement: SYNJ1 is on the minus strand). VCF-style: chr21-32650319-A-C. GRCh37 (hg19) VCF-style: chr21-34022629-A-C.
Other names: c.2902T>G, p.Leu968Val (NM_001160302.2); c.2887T>G, p.Leu963Val (NM_001160306.2); c.3019T>G, p.Leu1007Val (NM_003895.4); short protein forms L1007V, L968V, L963V.
Identifiers: ClinVar variation 959786 (VCV000959786.10), dbSNP rs1372258834, ClinGen allele CA410070782.